The following is an entry in ClinVar:

NM_004304.5(ALK):c.41T>G (p.Leu14Arg)

Gene: ALK (ALK receptor tyrosine kinase; minus strand). Cytogenetic location: 2p23.1.
Variant type: single nucleotide variant.
Coding change: c.41T>G on transcript NM_004304.5 (MANE Select); coding-DNA position 41, T replaced by G.
Protein change: p.Leu14Arg; replaces leucine 14 with arginine.
Molecular consequence: missense variant.
Genome position (GRCh38, 1-based): chr2:29,920,619, A>C on the plus strand (T>G on the coding strand, the complement: ALK is on the minus strand). VCF-style: chr2-29920619-A-C. GRCh37 (hg19) VCF-style: chr2-30143485-A-C.
Other names: short protein forms L14R.
Identifiers: ClinVar variation 4272241 (VCV004272241.1).
Genomic context (GRCh38, chr2:29,920,619, plus strand): 5'-GCAGCTGGGGAGCCCGCGCGCTGGCCGGTCCCCATCCCGGAGCCCACAGCTGCCGTGGAA[A>C]GCAGCAGCGGCAGGAGCCACAGGAGCCCGATGGCTCCCATCCCGCCGGAGGAGGCCGTTT-3'
Protein context (NP_004295.2, residues 4-24): IGLLWLLPLL[Leu14Arg]STAAVGSGMG

ClinVar aggregate classification (germline): Uncertain significance (1 of 4 stars; one submission).

Conditions:
Hereditary cancer-predisposing syndrome. Also called: Hereditary Cancer Syndrome; Hereditary neoplastic syndrome; Neoplastic Syndromes, Hereditary; Tumor predisposition. Identifiers: Orphanet 140162, MedGen C0027672, MeSH D009386, MONDO:0015356.

Submission:

Ambry Genetics
Classification: Uncertain significance for Hereditary cancer-predisposing syndrome. Last evaluated: 2025-06-24. Review status: criteria provided, single submitter. Criteria: Ambry Variant Classification Scheme 2023. Collection method: clinical testing. Allele origin: germline.
Comment: The p.L14R variant (also known as c.41T>G), located in coding exon 1 of the ALK gene, results from a T to G substitution at nucleotide position 41. The leucine at codon 14 is replaced by arginine, an amino acid with dissimilar properties. This amino acid position is conserved. In addition, this alteration is predicted to be tolerated by in silico analysis. Based on the available evidence, the clinical significance of this variant remains unclear.